The following is an entry in ClinVar:

ClinVar aggregate classification (germline): Uncertain significance (1 of 4 stars; one submission).

Conditions:
Idiopathic Pulmonary Fibrosis. Also called: Idiopathic fibrosing alveolitis, chronic form; idiopathic fibrosing alveolitis. Identifiers: Orphanet 2032, MedGen C1800706, MeSH D054990, MONDO:0800504.
Dyskeratosis congenita, autosomal dominant 2. Identifiers: MedGen C3151443, MONDO:0013521, OMIM 613989.

Submission:

Labcorp Genetics (formerly Invitae), Labcorp
Classification: Uncertain significance for Dyskeratosis congenita, autosomal dominant 2; Idiopathic Pulmonary Fibrosis. Last evaluated: 2024-02-17. Review status: criteria provided, single submitter. Criteria: Invitae Variant Classification Sherloc (09022015). Collection method: clinical testing. Allele origin: germline.
Comment: This sequence change replaces alanine, which is neutral and non-polar, with threonine, which is neutral and polar, at codon 228 of the TERT protein (p.Ala228Thr). This variant is not present in population databases (gnomAD no frequency). This variant has not been reported in the literature in individuals affected with TERT-related conditions. ClinVar contains an entry for this variant (Variation ID: 1436978). Advanced modeling of protein sequence and biophysical properties (such as structural, functional, and spatial information, amino acid conservation, physicochemical variation, residue mobility, and thermodynamic stability) performed at Invitae indicates that this missense variant is not expected to disrupt TERT protein function with a negative predictive value of 95%. In summary, the available evidence is currently insufficient to determine the role of this variant in disease. Therefore, it has been classified as a Variant of Uncertain Significance.

NM_198253.3(TERT):c.682G>A (p.Ala228Thr)

Gene: TERT (telomerase reverse transcriptase; minus strand). Cytogenetic location: 5p15.33.
Variant type: single nucleotide variant.
Coding change: c.682G>A on transcript NM_198253.3 (MANE Select); coding-DNA position 682, G replaced by A.
Protein change: p.Ala228Thr; replaces alanine 228 with threonine.
Molecular consequence: missense variant. On other transcripts: non-coding transcript variant (2).
Genome position (GRCh38, 1-based): chr5:1,294,204, C>T on the plus strand (G>A on the coding strand, the complement: TERT is on the minus strand). VCF-style: chr5-1294204-C-T. GRCh37 (hg19) VCF-style: chr5-1294319-C-T.
Other names: c.682G>A, p.Ala228Thr (NM_001193376.3); short protein forms A228T.
Identifiers: ClinVar variation 1436978 (VCV001436978.6), dbSNP rs2126688374, ClinGen allele CA359057038.